The following is an entry in ClinVar:

NM_005993.5(TBCD):c.1913A>G (p.Gln638Arg)

Gene: TBCD (tubulin folding cofactor D). Cytogenetic location: 17q25.3.
Variant type: single nucleotide variant.
Coding change: c.1913A>G on transcript NM_005993.5 (MANE Select); coding-DNA position 1913, A replaced by G.
Protein change: p.Gln638Arg; replaces glutamine 638 with arginine.
Molecular consequence: missense variant.
Genome position (GRCh38, 1-based): chr17:82,906,044, A>G. VCF-style: chr17-82906044-A-G. GRCh37 (hg19) VCF-style: chr17-80863920-A-G.
Other names: short protein forms Q638R.
Identifiers: ClinVar variation 1312967 (VCV001312967.9), dbSNP rs539457901, ClinGen allele CA8862813.

ClinVar aggregate classification (germline): Uncertain significance. Review status: criteria provided, multiple submitters, no conflicts (2 of 4 stars). 4 submissions from 4 submitters: Uncertain significance (4). Last evaluated 2024-12-05.

Conditions:
Inborn genetic diseases. Identifiers: MedGen C0950123, MeSH D030342.

Allele frequency attached by ClinVar (database versions not stated): gnomAD 0.00009; TOPMed 0.00010; ExAC 0.00015; gnomAD exomes 0.00017; 1000 Genomes Project 0.00020; 1000 Genomes Project 30x 0.00031.
gnomAD v4.1: 264 of 1,606,392 alleles (0.016%); highest among the groups gnomAD compares: Middle Eastern, 0.13%; 1 homozygote.

Submissions (4):

Ambry Genetics
Classification: Uncertain significance for Inborn genetic diseases. Last evaluated: 2024-12-05. Review status: criteria provided, single submitter. Criteria: Ambry Variant Classification Scheme 2023. Collection method: clinical testing. Allele origin: germline.

Blueprint Genetics
Classification: Uncertain significance. Last evaluated: 2024-08-30. Review status: criteria provided, single submitter. Criteria: ACMG Guidelines, 2015. Collection method: clinical testing. Allele origin: germline.

Labcorp Genetics (formerly Invitae), Labcorp
Classification: Uncertain significance. Last evaluated: 2022-06-10. Review status: criteria provided, single submitter. Criteria: Invitae Variant Classification Sherloc (09022015). Collection method: clinical testing. Allele origin: germline.
Comment: This sequence change replaces glutamine, which is neutral and polar, with arginine, which is basic and polar, at codon 638 of the TBCD protein (p.Gln638Arg). This variant is present in population databases (rs539457901, gnomAD 0.02%). This variant has not been reported in the literature in individuals affected with TBCD-related conditions. ClinVar contains an entry for this variant (Variation ID: 1312967). Algorithms developed to predict the effect of missense changes on protein structure and function output the following: SIFT: "Deleterious"; PolyPhen-2: "Benign"; Align-GVGD: "Class C0". The arginine amino acid residue is found in multiple mammalian species, which suggests that this missense change does not adversely affect protein function. In summary, the available evidence is currently insufficient to determine the role of this variant in disease. Therefore, it has been classified as a Variant of Uncertain Significance.

GeneDx
Classification: Uncertain significance. Last evaluated: 2020-07-07. Review status: criteria provided, single submitter. Criteria: GeneDx Variant Classification Process June 2021. Collection method: clinical testing. Allele origin: germline. Affected: yes.
Comment: In silico analysis supports that this missense variant does not alter protein structure/function; Has not been previously published as pathogenic or benign to our knowledge